The following is an entry in ClinVar:

ClinVar aggregate classification (germline): Uncertain significance (1 of 4 stars; one submission).

Submission:

GeneDx
Classification: Uncertain significance. Last evaluated: 2025-03-17. Review status: criteria provided, single submitter. Criteria: GeneDx Variant Classification Process June 2021. Collection method: clinical testing. Allele origin: germline. Affected: yes.
Comment: In silico analysis supports that this missense variant has a deleterious effect on protein structure/function; Not observed at significant frequency in large population cohorts (gnomAD); Has not been previously published as pathogenic or benign to our knowledge

NM_001303052.2(MYT1L):c.1886C>T (p.Thr629Met)

Gene: MYT1L (myelin transcription factor 1 like; minus strand). Cytogenetic location: 2p25.3.
Variant type: single nucleotide variant.
Coding change: c.1886C>T on transcript NM_001303052.2 (MANE Select); coding-DNA position 1886, C replaced by T.
Protein change: p.Thr629Met; replaces threonine 629 with methionine.
Molecular consequence: missense variant.
Genome position (GRCh38, 1-based): chr2:1,903,226, G>A on the plus strand (C>T on the coding strand, the complement: MYT1L is on the minus strand). VCF-style: chr2-1903226-G-A. GRCh37 (hg19) VCF-style: chr2-1906998-G-A.
Other names: c.1880C>T, p.Thr627Met (NM_015025.4, NM_001329846.3, NM_001329847.2 and 3 more transcripts); c.1886C>T, p.Thr629Met (NM_001329844.2, NM_001329845.1, NM_001329851.3); short protein forms T627M, T629M.
Identifiers: ClinVar variation 4086474 (VCV004086474.1).
Genomic context (GRCh38, chr2:1,903,226, plus strand): 5'-TTGTATTCAAACGAGGTCTTGGAATATTTCTCGAGCTCCTTGGCCAGGTTGGAACGCGGC[G>A]TAGTTGTGGGGACATTGTTTCTGTAGCCATACTGAGGAATCTCCAGCTGCTTCACAAAGC-3'
Protein context (NP_001289981.1, residues 619-639): YGYRNNVPTT[Thr629Met]PRSNLAKELE